The following is an entry in ClinVar:

ClinVar aggregate classification (germline): Uncertain significance. Review status: criteria provided, multiple submitters, no conflicts (2 of 4 stars). 3 submissions from 3 submitters: Uncertain significance (3). Last evaluated 2025-08-11.

Conditions:
MEGF10-related myopathy (CMYO10A). Also called: Congenital myopathy 10A, severe variant. Identifiers: Orphanet 439212, MedGen C3280679, MONDO:0013731, OMIM 614399.
Inborn genetic diseases. Identifiers: MedGen C0950123, MeSH D030342.

Allele frequency attached by ClinVar (database versions not stated): ESP Exome Variant Server 0.00015; TOPMed 0.00045; 1000 Genomes Project 30x 0.00094; 1000 Genomes Project 0.00100.
gnomAD v4.1: 132 of 1,613,916 alleles (0.0082%); highest among the groups gnomAD compares: African/African-American, 0.16%; no homozygotes.

Submissions (3):

Ambry Genetics
Classification: Uncertain significance for Inborn genetic diseases. Last evaluated: 2025-08-11. Review status: criteria provided, single submitter. Criteria: Ambry Variant Classification Scheme 2023. Collection method: clinical testing. Allele origin: germline.

Labcorp Genetics (formerly Invitae), Labcorp
Classification: Uncertain significance for MEGF10-related myopathy. Last evaluated: 2022-09-06. Review status: criteria provided, single submitter. Criteria: Invitae Variant Classification Sherloc (09022015). Collection method: clinical testing. Allele origin: germline.
Comment: This sequence change replaces threonine, which is neutral and polar, with lysine, which is basic and polar, at codon 533 of the MEGF10 protein (p.Thr533Lys). This variant is present in population databases (rs150043761, gnomAD 0.1%). This variant has not been reported in the literature in individuals affected with MEGF10-related conditions. ClinVar contains an entry for this variant (Variation ID: 955325). Algorithms developed to predict the effect of missense changes on protein structure and function are either unavailable or do not agree on the potential impact of this missense change (SIFT: "Deleterious"; PolyPhen-2: "Possibly Damaging"; Align-GVGD: "Class C15"). In summary, the available evidence is currently insufficient to determine the role of this variant in disease. Therefore, it has been classified as a Variant of Uncertain Significance.

Blueprint Genetics
Classification: Uncertain significance. Last evaluated: 2022-07-06. Review status: criteria provided, single submitter. Criteria: ACMG Guidelines, 2015. Collection method: clinical testing. Allele origin: germline.

NM_001256545.2(MEGF10):c.1598C>A (p.Thr533Lys)

Gene: MEGF10 (multiple EGF like domains 10; plus strand). Cytogenetic location: 5q23.2.
Variant type: single nucleotide variant.
Coding change: c.1598C>A on transcript NM_001256545.2 (MANE Select); coding-DNA position 1598, C replaced by A.
Protein change: p.Thr533Lys; replaces threonine 533 with lysine.
Molecular consequence: missense variant.
Genome position (GRCh38, 1-based): chr5:127,422,677, C>A. VCF-style: chr5-127422677-C-A. GRCh37 (hg19) VCF-style: chr5-126758369-C-A.
Other names: c.1598C>A, p.Thr533Lys (NM_001308119.2, NM_001308121.2, NM_032446.3); short protein forms T533K.
Identifiers: ClinVar variation 955325 (VCV000955325.14), dbSNP rs150043761, ClinGen allele CA3391641.